The following is an entry in ClinVar:

NM_000143.4(FH):c.37C>A (p.Pro13Thr)

Gene: FH (fumarate hydratase; minus strand). Cytogenetic location: 1q43.
Variant type: single nucleotide variant.
Coding change: c.37C>A on transcript NM_000143.4 (MANE Select); coding-DNA position 37, C replaced by A.
Protein change: p.Pro13Thr; replaces proline 13 with threonine.
Molecular consequence: missense variant.
Genome position (GRCh38, 1-based): chr1:241,519,686, G>T on the plus strand (C>A on the coding strand, the complement: FH is on the minus strand). VCF-style: chr1-241519686-G-T. GRCh37 (hg19) VCF-style: chr1-241682986-G-T.
Other names: short protein forms P13T.
Identifiers: ClinVar variation 652457 (VCV000652457.27), dbSNP rs587778360, ClinGen allele CA40338045.

ClinVar aggregate classification (germline): Conflicting classifications of pathogenicity. Review status: criteria provided, conflicting classifications (1 of 4 stars). 5 submissions from 5 submitters: Uncertain significance (3); Likely benign (1). 1 of the submissions does not count toward it. Last evaluated 2025-12-21.

Conditions:
Hereditary cancer-predisposing syndrome. Also called: Neoplastic Syndromes, Hereditary; Hereditary Cancer Syndrome; Tumor predisposition; Hereditary neoplastic syndrome. Identifiers: Orphanet 140162, MedGen C0027672, MeSH D009386, MONDO:0015356.
Fumarase deficiency (FMRD). Also called: Fumaric aciduria; Fumarate Hydratase Deficiency. Identifiers: Orphanet 24, MedGen C0342770, MONDO:0011730, OMIM 606812.

Allele frequency attached by ClinVar (database versions not stated): TOPMed 0.00001; gnomAD 0.00003.

Submissions (5):

Labcorp Genetics (formerly Invitae), Labcorp
Classification: Uncertain significance. Last evaluated: 2025-12-21. Review status: criteria provided, single submitter. Criteria: Invitae Variant Classification Sherloc (09022015). Collection method: clinical testing. Allele origin: germline.
Comment: This sequence change replaces proline, which is neutral and non-polar, with threonine, which is neutral and polar, at codon 13 of the FH protein (p.Pro13Thr). This variant is present in population databases (no rsID available, gnomAD 0.009%). This variant has not been reported in the literature in individuals affected with FH-related conditions. ClinVar contains an entry for this variant (Variation ID: 652457). Invitae Evidence Modeling of protein sequence and biophysical properties (such as structural, functional, and spatial information, amino acid conservation, physicochemical variation, residue mobility, and thermodynamic stability) indicates that this missense variant is not expected to disrupt FH protein function with a negative predictive value of 95%. In summary, the available evidence is currently insufficient to determine the role of this variant in disease. Therefore, it has been classified as a Variant of Uncertain Significance.

CeGaT Center for Human Genetics Tuebingen
Classification: Uncertain significance. Last evaluated: 2024-10-01. Review status: criteria provided, single submitter. Criteria: CeGaT Center For Human Genetics Tuebingen Variant Classification Criteria Version 2. Collection method: clinical testing. Allele origin: germline. Affected: yes. Observed: 1 variant allele.
Comment: FH: PM2

GeneDx
Classification: Uncertain significance. Last evaluated: 2023-05-22. Review status: criteria provided, single submitter. Criteria: GeneDx Variant Classification Process June 2021. Collection method: clinical testing. Allele origin: germline. Affected: yes.
Comment: Not observed at significant frequency in large population cohorts (gnomAD); In silico analysis supports that this missense variant does not alter protein structure/function; Has not been previously published as pathogenic or benign to our knowledge

Ambry Genetics
Classification: Likely benign for Hereditary cancer-predisposing syndrome. Last evaluated: 2022-10-07. Review status: criteria provided, single submitter. Criteria: Ambry Variant Classification Scheme 2023. Collection method: clinical testing. Allele origin: germline.

Natera, Inc.
Classification: Uncertain significance for Fumarase deficiency. Last evaluated: 2020-09-16. Review status: no assertion criteria provided. Collection method: clinical testing. Allele origin: germline. Not counted in ClinVar's aggregate classification.